The following is an entry in ClinVar:

NM_001365951.3(KIF1B):c.3785A>G (p.Glu1262Gly)

Gene: KIF1B (kinesin family member 1B; plus strand). Cytogenetic location: 1p36.22.
Variant type: single nucleotide variant.
Coding change: c.3785A>G on transcript NM_001365951.3 (MANE Select); coding-DNA position 3785, A replaced by G.
Protein change: p.Glu1262Gly; replaces glutamic acid 1262 with glycine.
Molecular consequence: missense variant.
Genome position (GRCh38, 1-based): chr1:10,345,941, A>G. VCF-style: chr1-10345941-A-G. GRCh37 (hg19) VCF-style: chr1-10405999-A-G.
Other names: c.3785A>G, p.Glu1262Gly (NM_001365952.1); c.3647A>G, p.Glu1216Gly (NM_015074.3); short protein forms E1216G, E1262G.
Identifiers: ClinVar variation 2060673 (VCV002060673.4), dbSNP rs780214312, ClinGen allele CA581870.

ClinVar aggregate classification (germline): Uncertain significance (1 of 4 stars; one submission).

Conditions:
Charcot-Marie-Tooth disease type 2. Also called: Charcot-Marie-Tooth type 2. Identifiers: Orphanet 64746, MedGen C0270914, MONDO:0018993.

Allele frequency attached by ClinVar (database versions not stated): gnomAD 0.00001; gnomAD exomes 0.00002; ExAC 0.00004.
gnomAD v4.1: 30 of 1,604,014 alleles (0.0019%); highest among the groups gnomAD compares: South Asian, 0.033%; 1 homozygote.

Submission:

Labcorp Genetics (formerly Invitae), Labcorp
Classification: Uncertain significance for Charcot-Marie-Tooth disease type 2. Last evaluated: 2025-08-03. Review status: criteria provided, single submitter. Criteria: Invitae Variant Classification Sherloc (09022015). Collection method: clinical testing. Allele origin: germline.
Comment: This sequence change replaces glutamic acid, which is acidic and polar, with glycine, which is neutral and non-polar, at codon 1216 of the KIF1B protein (p.Glu1216Gly). This variant is present in population databases (rs780214312, gnomAD 0.04%), and has an allele count higher than expected for a pathogenic variant. This variant has not been reported in the literature in individuals affected with KIF1B-related conditions. ClinVar contains an entry for this variant (Variation ID: 2060673). An algorithm developed to predict the effect of missense changes on protein structure and function (PolyPhen-2) suggests that this variant is likely to be tolerated. Algorithms developed to predict the effect of sequence changes on RNA splicing suggest that this variant may disrupt the consensus splice site. In summary, the available evidence is currently insufficient to determine the role of this variant in disease. Therefore, it has been classified as a Variant of Uncertain Significance.